The following is an entry in ClinVar:

ClinVar aggregate classification (germline): Uncertain significance (1 of 4 stars; one submission).

Submission:

Women's Health and Genetics/Laboratory Corporation of America, LabCorp
Classification: Uncertain significance. Last evaluated: 2024-07-24. Review status: criteria provided, single submitter. Criteria: LabCorp Variant Classification Summary - May 2015. Collection method: clinical testing. Allele origin: germline.
Comment: Variant summary: COL4A4 c.2209G>T (p.Gly737Trp) results in a non-conservative amino acid change in the encoded protein sequence. Five of five in-silico tools predict a damaging effect of the variant on protein function. The variant was absent in 249190 control chromosomes. The available data on variant occurrences in the general population are insufficient to allow any conclusion about variant significance. To our knowledge, no occurrence of c.2209G>T in individuals affected with Alport Syndrome, Autosomal Recessive and no experimental evidence demonstrating its impact on protein function have been reported. No submitters have cited clinical-significance assessments for this variant to ClinVar. Based on the evidence outlined above, the variant was classified as uncertain significance.

NM_000092.5(COL4A4):c.2209G>T (p.Gly737Trp)

Gene: COL4A4 (collagen type IV alpha 4 chain; minus strand). Cytogenetic location: 2q36.3.
Variant type: single nucleotide variant.
Coding change: c.2209G>T on transcript NM_000092.5 (MANE Select); coding-DNA position 2209, G replaced by T.
Protein change: p.Gly737Trp; replaces glycine 737 with tryptophan.
Molecular consequence: missense variant.
Genome position (GRCh38, 1-based): chr2:227,059,579, C>A on the plus strand (G>T on the coding strand, the complement: COL4A4 is on the minus strand). VCF-style: chr2-227059579-C-A. GRCh37 (hg19) VCF-style: chr2-227924295-C-A.
Other names: short protein forms G737W.
Identifiers: ClinVar variation 3339354 (VCV003339354.1).